The following is an entry in ClinVar:

ClinVar aggregate classification (germline): Uncertain significance (1 of 4 stars; one submission).

Conditions:
Wilms tumor 1 (WT1). Also called: Wilms tumor, somatic. Identifiers: Orphanet 654, MedGen CN033288, MONDO:0008679, OMIM 194070.

Submission:

Labcorp Genetics (formerly Invitae), Labcorp
Classification: Uncertain significance for Wilms tumor 1. Last evaluated: 2022-05-18. Review status: criteria provided, single submitter. Criteria: Invitae Variant Classification Sherloc (09022015). Collection method: clinical testing. Allele origin: germline.
Comment: This variant is not present in population databases (gnomAD no frequency). In summary, the available evidence is currently insufficient to determine the role of this variant in disease. Therefore, it has been classified as a Variant of Uncertain Significance. Algorithms developed to predict the effect of missense changes on protein structure and function (SIFT, PolyPhen-2, Align-GVGD) all suggest that this variant is likely to be tolerated. This variant has not been reported in the literature in individuals affected with GPC3-related conditions. This sequence change replaces lysine, which is basic and polar, with asparagine, which is neutral and polar, at codon 294 of the GPC3 protein (p.Lys294Asn).

NM_004484.4(GPC3):c.882G>T (p.Lys294Asn)

Gene: GPC3 (glypican 3; minus strand). Cytogenetic location: Xq26.2.
Variant type: single nucleotide variant.
Coding change: c.882G>T on transcript NM_004484.4 (MANE Select); coding-DNA position 882, G replaced by T.
Protein change: p.Lys294Asn; replaces lysine 294 with asparagine.
Molecular consequence: missense variant.
Genome position (GRCh38, 1-based): chrX:133,753,632, C>A on the plus strand (G>T on the coding strand, the complement: GPC3 is on the minus strand). VCF-style: chrX-133753632-C-A. GRCh37 (hg19) VCF-style: chrX-132887659-C-A.
Other names: c.882G>T, p.Lys294Asn (NM_001164617.2); c.834G>T, p.Lys278Asn (NM_001164618.2); c.720G>T, p.Lys240Asn (NM_001164619.2); short protein forms K240N, K294N, K278N.
Identifiers: ClinVar variation 1996235 (VCV001996235.4), dbSNP rs2124479973, ClinGen allele CA414705417.